The following is an entry in ClinVar:

ClinVar aggregate classification (germline): Uncertain significance (1 of 4 stars; one submission).

gnomAD v4.1: 3 of 1,550,006 alleles (0.00019%); highest among the groups gnomAD compares: African/African-American, 0.0041%; no homozygotes.

Submission:

GeneDx
Classification: Uncertain significance. Last evaluated: 2024-05-14. Review status: criteria provided, single submitter. Criteria: GeneDx Variant Classification Process June 2021. Collection method: clinical testing. Allele origin: germline. Affected: yes.
Comment: Reported along with a second variant in the CC2D2A gene in a patient with Joubert syndrome in the published literature; however, segregation information was not provided (PMID: 36319078); Not observed at significant frequency in large population cohorts (gnomAD); In silico analysis supports that this missense variant has a deleterious effect on protein structure/function; This variant is associated with the following publications: (PMID: 36319078)

NM_001378615.1(CC2D2A):c.4358A>T (p.Asn1453Ile)

Genes: CC2D2A (coiled-coil and C2 domain containing 2A; plus strand), FBXL5 (F-box and leucine rich repeat protein 5; minus strand). Cytogenetic location: 4p15.32.
Variant type: single nucleotide variant.
Coding change: c.4358A>T on transcript NM_001378615.1 (MANE Select); coding-DNA position 4358, A replaced by T.
Protein change: p.Asn1453Ile; replaces asparagine 1453 with isoleucine.
Molecular consequence: missense variant.
Genome position (GRCh38, 1-based): chr4:15,596,128, A>T. VCF-style: chr4-15596128-A-T. GRCh37 (hg19) VCF-style: chr4-15597751-A-T.
Other names: c.4358A>T, p.Asn1453Ile (NM_001080522.2); c.4211A>T, p.Asn1404Ile (NM_001378617.1); short protein forms N1404I, N1453I.
Identifiers: ClinVar variation 3378075 (VCV003378075.1).